The following is an entry in ClinVar:

NM_001379180.1(ESRRB):c.1219C>T (p.Pro407Ser)

Gene: ESRRB (estrogen related receptor beta; plus strand). Cytogenetic location: 14q24.3.
Variant type: single nucleotide variant.
Coding change: c.1219C>T on transcript NM_001379180.1 (MANE Select); coding-DNA position 1219, C replaced by T.
Protein change: p.Pro407Ser; replaces proline 407 with serine.
Molecular consequence: missense variant.
Genome position (GRCh38, 1-based): chr14:76,498,312, C>T. VCF-style: chr14-76498312-C-T. GRCh37 (hg19) VCF-style: chr14-76964655-C-T.
Other names: c.1156C>T, p.Pro386Ser (NM_004452.4); short protein forms P386S, P407S.
Identifiers: ClinVar variation 44995 (VCV000044995.28), dbSNP rs61742642, ClinGen allele CA135409.
Genomic context (GRCh38, chr14:76,498,312, plus strand): 5'-CTGCAGGACCTGCTGCACGAGGCACTGCAGGACTACGAGCTGAGCCAGCGCCATGAGGAG[C>T]CCTGGAGGACGGGCAAGCTGCTGCTGACACTGCCGCTGCTGCGGCAGACGGCCGCCAAGG-3'
Protein context (NP_001366109.1, residues 397-417): DYELSQRHEE[Pro407Ser]WRTGKLLLTL

ClinVar aggregate classification (germline): Benign/Likely benign. Review status: criteria provided, multiple submitters, no conflicts (2 of 4 stars). 9 submissions from 9 submitters: Benign (7); Likely benign (2). Last evaluated 2026-02-04.

Conditions:
Autosomal recessive nonsyndromic hearing loss 35. Identifiers: Orphanet 90636, MedGen C1837857, MONDO:0012060, OMIM 608565.

Allele frequency attached by ClinVar (database versions not stated): ESP Exome Variant Server 0.05351; gnomAD 0.06008 and 0.06142; TOPMed 0.06056; 1000 Genomes Project 0.07009; 1000 Genomes Project 30x 0.07042.

Submissions (9):

Labcorp Genetics (formerly Invitae), Labcorp
Classification: Benign. Last evaluated: 2026-02-04. Review status: criteria provided, single submitter. Criteria: Invitae Variant Classification Sherloc (09022015). Collection method: clinical testing. Allele origin: germline.

ARUP Laboratories, Molecular Genetics and Genomics, ARUP Laboratories
Classification: Benign for Autosomal recessive nonsyndromic hearing loss 35. Last evaluated: 2023-11-29. Review status: criteria provided, single submitter. Criteria: ARUP Molecular Germline Variant Investigation Process 2024. Collection method: clinical testing. Allele origin: germline.

Mayo Clinic Laboratories, Mayo Clinic
Classification: Benign. Last evaluated: 2020-10-02. Review status: criteria provided, single submitter. Criteria: ACMG Guidelines, 2015. Collection method: clinical testing. Allele origin: germline. Observed: 31 variant alleles.

Athena Diagnostics
Classification: Benign. Last evaluated: 2018-09-12. Review status: criteria provided, single submitter. Criteria: Athena Diagnostics Criteria. Collection method: clinical testing. Allele origin: germline.

Illumina Laboratory Services, Illumina
Classification: Likely benign for Autosomal recessive nonsyndromic hearing loss 35. Last evaluated: 2018-01-13. Review status: criteria provided, single submitter. Criteria: ICSL Variant Classification Criteria 13 December 2019. Collection method: clinical testing. Allele origin: germline.
Comment: This variant was observed in the ICSL laboratory as part of a predisposition screen in an ostensibly healthy population. It had not been previously curated by ICSL or reported in the Human Gene Mutation Database (HGMD: prior to June 1st, 2018), and was therefore a candidate for classification through an automated scoring system. Utilizing variant allele frequency, disease prevalence and penetrance estimates, and inheritance mode, an automated score was calculated to assess if this variant is too frequent to cause the disease. Based on the score and internal cut-off values, a variant classified as likely benign is not then subjected to further curation. The score for this variant resulted in a classification of likely benign for this disease.

GeneDx
Classification: Benign. Last evaluated: 2017-05-09. Review status: criteria provided, single submitter. Criteria: GeneDx Variant Classification (06012015). Collection method: clinical testing. Allele origin: germline. Affected: yes.
Comment: This variant is considered likely benign or benign based on one or more of the following criteria: it is a conservative change, it occurs at a poorly conserved position in the protein, it is predicted to be benign by multiple in silico algorithms, and/or has population frequency not consistent with disease.

Laboratory for Molecular Medicine, Mass General Brigham Personalized Medicine
Classification: Benign. Last evaluated: 2012-05-07. Review status: criteria provided, single submitter. Criteria: LMM Criteria. Collection method: clinical testing. Allele origin: germline. Observed: 211 variant alleles.
Comment: Pro386Ser in Exon 09 of ESRRB: This variant is not expected to have clinical sig nificance because it has been identified in 6.9% (481/7020) of European American chromosomes from a broad population by the NHLBI Exome Sequencing Project (dbSNP rs35774316).

Breakthrough Genomics
Classification: Likely benign. Review status: criteria provided, single submitter. Criteria: ACMG Guidelines, 2015. Collection method: not provided. Allele origin: germline. Inheritance: Autosomal recessive inheritance. Affected: yes.

PreventionGenetics, part of Exact Sciences
Classification: Benign. Review status: criteria provided, single submitter. Criteria: ACMG Guidelines, 2015. Collection method: clinical testing. Allele origin: germline.